The following is an entry in ClinVar:

NM_020975.6(RET):c.1775G>A (p.Gly592Glu)

Gene: RET (ret proto-oncogene; plus strand). Cytogenetic location: 10q11.21.
Variant type: single nucleotide variant.
Coding change: c.1775G>A on transcript NM_020975.6 (MANE Select); coding-DNA position 1775, G replaced by A.
Protein change: p.Gly592Glu; replaces glycine 592 with glutamic acid.
Molecular consequence: missense variant. On other transcripts: intron variant (2).
Genome position (GRCh38, 1-based): chr10:43,113,571, G>A. VCF-style: chr10-43113571-G-A. GRCh37 (hg19) VCF-style: chr10-43609019-G-A.
Other names: c.1013G>A, p.Gly338Glu (NM_001355216.2); c.1775G>A, p.Gly592Glu (NM_001406743.1, NM_001406744.1, NM_001406759.1 and 4 more transcripts); c.1646G>A, p.Gly549Glu (NM_001406761.1, NM_001406762.1, NM_001406764.1 and 1 more transcripts); c.1487G>A, p.Gly496Glu (NM_001406766.1, NM_001406767.1, NM_001406770.1); c.1379G>A, p.Gly460Glu (NM_001406769.1, NM_001406772.1); c.1337G>A, p.Gly446Glu (NM_001406771.1, NM_001406773.1); c.1250G>A, p.Gly417Glu (NM_001406774.1); c.1049G>A, p.Gly350Glu (NM_001406775.1, NM_001406776.1, NM_001406777.1 and 1 more transcripts); and 7 more; short protein forms G338E, G417E, G592E, G109E, G262E, G446E, G460E, G350E.
Identifiers: ClinVar variation 4728937 (VCV004728937.1).

ClinVar aggregate classification (germline): Uncertain significance (1 of 4 stars; one submission).

Conditions:
Multiple endocrine neoplasia, type 2 (MEN2). Identifiers: Orphanet 653, MedGen C4048306, MONDO:0019003. Disease mechanism: gain of function.

Submission:

Labcorp Genetics (formerly Invitae), Labcorp
Classification: Uncertain significance for Multiple endocrine neoplasia, type 2. Last evaluated: 2025-10-11. Review status: criteria provided, single submitter. Criteria: Invitae Variant Classification Sherloc (09022015). Collection method: clinical testing. Allele origin: germline.
Comment: This sequence change replaces glycine, which is neutral and non-polar, with glutamic acid, which is acidic and polar, at codon 592 of the RET protein (p.Gly592Glu). This variant is not present in population databases (gnomAD no frequency). This variant has not been reported in the literature in individuals affected with RET-related conditions. An algorithm developed to predict the effect of missense changes on protein structure and function (PolyPhen-2) suggests that this variant is likely to be disruptive. In summary, the available evidence is currently insufficient to determine the role of this variant in disease. Therefore, it has been classified as a Variant of Uncertain Significance.